The following is an entry in ClinVar:

ClinVar aggregate classification (germline): Uncertain significance (1 of 4 stars; one submission).

Conditions:
Epilepsy, X-linked 1, with variable learning disabilities and behavior disorders. Also called: X-linked epilepsy-learning disabilities-behavior disorders syndrome. Identifiers: Orphanet 85294, MedGen C5774177, MONDO:0010339, OMIM 300491.

Submission:

Labcorp Genetics (formerly Invitae), Labcorp
Classification: Uncertain significance for Epilepsy, X-linked 1, with variable learning disabilities and behavior disorders. Last evaluated: 2022-08-16. Review status: criteria provided, single submitter. Criteria: Invitae Variant Classification Sherloc (09022015). Collection method: clinical testing. Allele origin: germline.
Comment: Experimental studies and prediction algorithms are not available or were not evaluated, and the functional significance of this variant is currently unknown. In summary, the available evidence is currently insufficient to determine the role of this variant in disease. Therefore, it has been classified as a Variant of Uncertain Significance. ClinVar contains an entry for this variant (Variation ID: 944089). This variant has not been reported in the literature in individuals affected with SYN1-related conditions. The frequency data for this variant in the population databases is considered unreliable, as metrics indicate insufficient coverage at this position in the gnomAD database. This sequence change replaces alanine, which is neutral and non-polar, with phenylalanine, which is neutral and non-polar, at codon 550 of the SYN1 protein (p.Ala550Phe).

NM_006950.3(SYN1):c.1648_1649delinsTT (p.Ala550Phe)

Gene: SYN1 (synapsin I; minus strand). Cytogenetic location: Xp11.3.
Variant type: Indel.
Coding change: c.1648_1649delinsTT on transcript NM_006950.3 (MANE Select); coding-DNA positions 1648 to 1649, GC replaced by TT.
Protein change: p.Ala550Phe; replaces alanine 550 with phenylalanine.
Molecular consequence: missense variant.
Genome position (GRCh38, 1-based): chrX:47,574,335-47,574,336, GC replaced by AA on the plus strand (GC replaced by TT on the coding strand, the reverse complement: SYN1 is on the minus strand). VCF-style: chrX-47574335-GC-AA. GRCh37 (hg19) VCF-style: chrX-47433734-GC-AA.
Other names: c.1648_1649delinsTT, p.Ala550Phe (NM_133499.2); short protein forms A550F.
Identifiers: ClinVar variation 944089 (VCV000944089.10), dbSNP rs2057770383, ClinGen allele CA1139667510.